The following is an entry in ClinVar:

NM_003242.6(TGFBR2):c.938G>A (p.Arg313Gln)

Gene: TGFBR2 (transforming growth factor beta receptor 2; plus strand). Cytogenetic location: 3p24.1.
Variant type: single nucleotide variant.
Coding change: c.938G>A on transcript NM_003242.6 (MANE Select); coding-DNA position 938, G replaced by A.
Protein change: p.Arg313Gln; replaces arginine 313 with glutamine.
Molecular consequence: missense variant.
Genome position (GRCh38, 1-based): chr3:30,672,121, G>A. VCF-style: chr3-30672121-G-A. GRCh37 (hg19) VCF-style: chr3-30713613-G-A.
Other names: c.1013G>A, p.Arg338Gln (NM_001024847.3); c.1121G>A, p.Arg374Gln (NM_001407126.1); c.1046G>A, p.Arg349Gln (NM_001407127.1); c.965G>A, p.Arg322Gln (NM_001407128.1); c.941G>A, p.Arg314Gln (NM_001407129.1); c.938G>A, p.Arg313Gln (NM_001407130.1); c.833G>A, p.Arg278Gln (NM_001407132.1, NM_001407133.1, NM_001407134.1 and 2 more transcripts); c.653G>A, p.Arg218Gln (NM_001407137.1); and 1 more; short protein forms R338Q, R313Q, R193Q, R278Q, R322Q, R374Q, R349Q, R218Q.
Identifiers: ClinVar variation 567942 (VCV000567942.40), dbSNP rs200361387, ClinGen allele CA050250.
Genomic context (GRCh38, chr3:30,672,121, plus strand): 5'-TCTTCTCAGACATCAATCTGAAGCATGAGAACATACTCCAGTTCCTGACGGCTGAGGAGC[G>A]GAAGACGGAGTTGGGGAAACAATACTGGCTGATCACCGCCTTCCACGCCAAGGGCAACCT-3'
Protein context (NP_003233.4, residues 303-323): NILQFLTAEE[Arg313Gln]KTELGKQYWL

ClinVar aggregate classification (germline): Conflicting classifications of pathogenicity. Review status: criteria provided, conflicting classifications (1 of 4 stars). 8 submissions from 8 submitters: Uncertain significance (7); Likely benign (1). Last evaluated 2026-01-16.

Conditions:
Malignant tumor of esophagus. Also called: Esophageal cancer, somatic; Esophageal cancer. Identifiers: Orphanet 99977, MedGen C0546837, MONDO:0007576, OMIM 133239.
Colorectal cancer, hereditary nonpolyposis, type 6. Also called: Colon cancer, hereditary nonpolyposis, type 6; Colon cancer, hereditary nonpolyposis, type 6, somatic. Identifiers: Orphanet 144, MedGen C1860896, MONDO:0013695, OMIM 614331.
Loeys-Dietz syndrome 2 (LDS2). Also called: Marfan syndrome, type 2 (formerly); TGFBR2-Related Loeys-Dietz Syndrome; Marfan Syndrome type 2; Marfan like connective tissue disorder; MFS 2; AORTIC ANEURYSM, FAMILIAL THORACIC 3. Identifiers: Orphanet 284973, Orphanet 558, MedGen C2674574, MONDO:0012427, OMIM 610168.
Familial thoracic aortic aneurysm and aortic dissection (TAAD). Also called: Thoracic aortic aneurysms and dissections. Identifiers: Orphanet 91387, MedGen C4707243, MONDO:0019625.

Allele frequency attached by ClinVar (database versions not stated): TOPMed 0.00002; gnomAD 0.00004; ESP Exome Variant Server 0.00008; 1000 Genomes Project 30x 0.00016; 1000 Genomes Project 0.00020.
gnomAD v4.1: 44 of 1,614,158 alleles (0.0027%); highest among the groups gnomAD compares: Admixed American, 0.01%; no homozygotes.

Submissions (8):

Women's Health and Genetics/Laboratory Corporation of America, LabCorp
Classification: Likely benign. Last evaluated: 2026-01-16. Review status: criteria provided, single submitter. Criteria: LabCorp Variant Classification Summary - May 2015. Collection method: clinical testing. Allele origin: germline.
Comment: Variant summary: TGFBR2 c.938G>A (p.Arg313Gln) results in a conservative amino acid change located in the Protein kinase domain (IPR000719) of the encoded protein sequence. Algorithms developed to predict the effect of missense changes on protein structure and function are either unavailable or do not agree on the potential impact of this missense change. The variant allele was found at a frequency of 5.6e-05 in 251058 control chromosomes. The observed variant frequency exceeds the estimated maximal expected allele frequency for disease-causing variants in TGFBR2. To our knowledge, no occurrence of c.938G>A in individuals affected with TGFBR2-related conditions and no experimental evidence demonstrating its impact on protein function have been reported. ClinVar contains an entry for this variant (Variation ID: 567942). Based on the evidence outlined above, the variant was classified as likely benign.

Labcorp Genetics (formerly Invitae), Labcorp
Classification: Uncertain significance for Familial thoracic aortic aneurysm and aortic dissection. Last evaluated: 2025-12-31. Review status: criteria provided, single submitter. Criteria: Invitae Variant Classification Sherloc (09022015). Collection method: clinical testing. Allele origin: germline.
Comment: This sequence change replaces arginine, which is basic and polar, with glutamine, which is neutral and polar, at codon 313 of the TGFBR2 protein (p.Arg313Gln). This variant is present in population databases (rs200361387, gnomAD 0.01%). This variant has not been reported in the literature in individuals affected with TGFBR2-related conditions. ClinVar contains an entry for this variant (Variation ID: 567942). Invitae Evidence Modeling of protein sequence and biophysical properties (such as structural, functional, and spatial information, amino acid conservation, physicochemical variation, residue mobility, and thermodynamic stability) indicates that this missense variant is expected to disrupt TGFBR2 protein function with a positive predictive value of 95%. In summary, the available evidence is currently insufficient to determine the role of this variant in disease. Therefore, it has been classified as a Variant of Uncertain Significance.

Ambry Genetics
Classification: Uncertain significance for Familial thoracic aortic aneurysm and aortic dissection. Last evaluated: 2025-04-22. Review status: criteria provided, single submitter. Criteria: Ambry Variant Classification Scheme 2023. Collection method: clinical testing. Allele origin: germline.
Comment: The p.R313Q variant (also known as c.938G>A), located in coding exon 4 of the TGFBR2 gene, results from a G to A substitution at nucleotide position 938. The arginine at codon 313 is replaced by glutamine, an amino acid with highly similar properties. This amino acid position is conserved. In addition, the in silico prediction for this alteration is inconclusive. Since supporting evidence is limited at this time, the clinical significance of this alteration remains unclear.

GeneDx
Classification: Uncertain significance. Last evaluated: 2025-02-03. Review status: criteria provided, single submitter. Criteria: GeneDx Variant Classification Process June 2021. Collection method: clinical testing. Allele origin: germline. Affected: yes.
Comment: Has not been previously published as pathogenic or benign to our knowledge; In silico analysis supports that this missense variant has a deleterious effect on protein structure/function

All of Us Research Program, National Institutes of Health
Classification: Uncertain significance for Loeys-Dietz syndrome 2. Last evaluated: 2024-09-23. Review status: criteria provided, single submitter. Criteria: ACMG Guidelines, 2015. Collection method: clinical testing. Allele origin: germline. Inheritance: Autosomal dominant inheritance. Observed: 11 variant alleles, 11 heterozygotes.
Comment: This missense variant replaces arginine with glutamine at codon 313 of the TGFBR2 protein. Computational prediction suggests that this variant may not impact protein structure and function (internally defined REVEL score threshold <= 0.5, PMID: 27666373). To our knowledge, functional studies have not been reported for this variant. This variant has not been reported in individuals affected with cardiovascular disorders in the literature. This variant has been identified in 15/282456 chromosomes in the general population by the Genome Aggregation Database (gnomAD). The available evidence is insufficient to determine the role of this variant in disease conclusively. Therefore, this variant is classified as a Variant of Uncertain Significance.

This study involves interpretation of variants in research participants for the purpose of population health screening. Participant phenotype was not available at the time of variant classification. Additional details can be found in publication PMID: 35346344, PMCID: PMC8962531

Color Diagnostics, LLC DBA Color Health
Classification: Uncertain significance for Familial thoracic aortic aneurysm and aortic dissection. Last evaluated: 2024-03-06. Review status: criteria provided, single submitter. Criteria: ACMG Guidelines, 2015. Collection method: clinical testing. Allele origin: germline.
Comment: This missense variant replaces arginine with glutamine at codon 313 of the TGFBR2 protein. Computational prediction suggests that this variant may not impact protein structure and function (internally defined REVEL score threshold <= 0.5, PMID: 27666373). To our knowledge, functional studies have not been reported for this variant. This variant has not been reported in individuals affected with TGFBR2-related disorders in the literature. This variant has been identified in 15/282456 chromosomes in the general population by the Genome Aggregation Database (gnomAD). The available evidence is insufficient to determine the role of this variant in disease conclusively. Therefore, this variant is classified as a Variant of Uncertain Significance.

Blueprint Genetics
Classification: Uncertain significance. Last evaluated: 2024-02-16. Review status: criteria provided, single submitter. Criteria: ACMG Guidelines, 2015. Collection method: clinical testing. Allele origin: germline.

Fulgent Genetics
Classification: Uncertain significance for Malignant tumor of esophagus; Loeys-Dietz syndrome 2; Colorectal cancer, hereditary nonpolyposis, type 6. Last evaluated: 2018-10-31. Review status: criteria provided, single submitter. Criteria: ACMG Guidelines, 2015. Collection method: clinical testing. Allele origin: unknown.